The following is an entry in ClinVar:

ClinVar aggregate classification (germline): Conflicting classifications of pathogenicity. Review status: criteria provided, conflicting classifications (1 of 4 stars). 3 submissions from 3 submitters: Uncertain significance (2); Likely benign (1). Last evaluated 2024-07-24.

Conditions:
Hereditary cancer-predisposing syndrome. Also called: Neoplastic Syndromes, Hereditary; Hereditary Cancer Syndrome; Tumor predisposition; Hereditary neoplastic syndrome. Identifiers: Orphanet 140162, MedGen C0027672, MeSH D009386, MONDO:0015356.
Gorlin syndrome. Also called: Nevoid Basal Cell Carcinoma Syndrome; Basal cell nevus syndrome. Identifiers: Orphanet 377, MedGen C0004779, MONDO:0007187.

Allele frequency attached by ClinVar (database versions not stated): gnomAD exomes below 0.00001; TOPMed below 0.00001; ExAC 0.00001; ESP Exome Variant Server 0.00008.
gnomAD v4.1: 4 of 1,614,168 alleles (0.00025%); highest among the groups gnomAD compares: East Asian, 0.0022%; no homozygotes.

Submissions (3):

Labcorp Genetics (formerly Invitae), Labcorp
Classification: Likely benign for Gorlin syndrome. Last evaluated: 2024-07-24. Review status: criteria provided, single submitter. Criteria: Invitae Variant Classification Sherloc (09022015). Collection method: clinical testing. Allele origin: germline.

Blueprint Genetics
Classification: Uncertain significance. Last evaluated: 2024-05-27. Review status: criteria provided, single submitter. Criteria: ACMG Guidelines, 2015. Collection method: clinical testing. Allele origin: germline.

Ambry Genetics
Classification: Uncertain significance for Hereditary cancer-predisposing syndrome. Last evaluated: 2024-05-22. Review status: criteria provided, single submitter. Criteria: Ambry Variant Classification Scheme 2023. Collection method: clinical testing. Allele origin: germline.
Comment: The p.D429N variant (also known as c.1285G>A), located in coding exon 9 of the PTCH1 gene, results from a G to A substitution at nucleotide position 1285. The aspartic acid at codon 429 is replaced by asparagine, an amino acid with highly similar properties. This amino acid position is conserved. In addition, the in silico prediction for this alteration is inconclusive. Since supporting evidence is limited at this time, the clinical significance of this alteration remains unclear.

NM_000264.5(PTCH1):c.1285G>A (p.Asp429Asn)

Gene: PTCH1 (patched 1; minus strand). Cytogenetic location: 9q22.32.
Variant type: single nucleotide variant.
Coding change: c.1285G>A on transcript NM_000264.5 (MANE Select); coding-DNA position 1285, G replaced by A.
Protein change: p.Asp429Asn; replaces aspartic acid 429 with asparagine.
Molecular consequence: missense variant. On other transcripts: non-coding transcript variant (1).
Genome position (GRCh38, 1-based): chr9:95,478,117, C>T on the plus strand (G>A on the coding strand, the complement: PTCH1 is on the minus strand). VCF-style: chr9-95478117-C-T. GRCh37 (hg19) VCF-style: chr9-98240399-C-T.
Other names: c.1087G>A, p.Asp363Asn (NM_001083602.3); c.1282G>A, p.Asp428Asn (NM_001083603.3); c.832G>A, p.Asp278Asn (NM_001083604.3, NM_001083605.3, NM_001083606.3 and 1 more transcripts); c.1285G>A, p.Asp429Asn (NM_001354918.2); short protein forms D363N, D429N, D278N, D428N.
Identifiers: ClinVar variation 237452 (VCV000237452.13), dbSNP rs377546733, ClinGen allele CA5138708.